The following is an entry in ClinVar:

ClinVar aggregate classification (germline): Benign/Likely benign. Review status: criteria provided, multiple submitters, no conflicts (2 of 4 stars). 2 submissions from 2 submitters: Benign (1); Likely benign (1). Last evaluated 2025-06-06.

Conditions:
Tuberous sclerosis 2 (TSC2). Identifiers: Orphanet 805, MedGen C1860707, MONDO:0013199, OMIM 613254.

Submissions (2):

Myriad Genetics, Inc.
Classification: Benign for Tuberous sclerosis 2. Last evaluated: 2025-06-06. Review status: criteria provided, single submitter. Criteria: Myriad Autosomal Dominant, Autosomal Recessive and X-Linked Classification Criteria (2023). Collection method: clinical testing. Allele origin: unknown.
Comment: This variant is considered benign. This variant is a silent/synonymous amino acid change and it is not expected to impact splicing.

Labcorp Genetics (formerly Invitae), Labcorp
Classification: Likely benign for Tuberous sclerosis 2. Last evaluated: 2024-01-11. Review status: criteria provided, single submitter. Criteria: Invitae Variant Classification Sherloc (09022015). Collection method: clinical testing. Allele origin: germline.

NM_000548.5(TSC2):c.5241C>A (p.Ile1747=)

Gene: TSC2 (TSC complex subunit 2; plus strand). Cytogenetic location: 16p13.3.
Variant type: single nucleotide variant.
Coding change: c.5241C>A on transcript NM_000548.5 (MANE Select); coding-DNA position 5241, C replaced by A.
Protein change: p.Ile1747=; no amino-acid change (isoleucine 1747 retained).
Molecular consequence: synonymous variant. On other transcripts: non-coding transcript variant (5).
Genome position (GRCh38, 1-based): chr16:2,088,307, C>A. VCF-style: chr16-2088307-C-A. GRCh37 (hg19) VCF-style: chr16-2138308-C-A.
Other names: c.5040C>A, p.Ile1680= (NM_001077183.3); c.5172C>A, p.Ile1724= (NM_001114382.3); c.4932C>A, p.Ile1644= (NM_001318827.2); c.4896C>A, p.Ile1632= (NM_001318829.2); c.4509C>A, p.Ile1503= (NM_001318831.2); c.5073C>A, p.Ile1691= (NM_001318832.2); c.5043C>A, p.Ile1681= (NM_001363528.2); c.5109C>A, p.Ile1703= (NM_001370404.1); and 27 more.
Identifiers: ClinVar variation 2979746 (VCV002979746.4), dbSNP rs2151632082, ClinGen allele CA493043846.